The following is an entry in ClinVar:

NM_182493.3(MYLK3):c.380T>C (p.Leu127Ser)

Gene: MYLK3 (myosin light chain kinase 3; minus strand). Cytogenetic location: 16q11.2.
Variant type: single nucleotide variant.
Coding change: c.380T>C on transcript NM_182493.3 (MANE Select); coding-DNA position 380, T replaced by C.
Protein change: p.Leu127Ser; replaces leucine 127 with serine.
Molecular consequence: missense variant. On other transcripts: intron variant (1).
Genome position (GRCh38, 1-based): chr16:46,747,814, A>G on the plus strand (T>C on the coding strand, the complement: MYLK3 is on the minus strand). VCF-style: chr16-46747814-A-G. GRCh37 (hg19) VCF-style: chr16-46781726-A-G.
Other names: c.-113-7667T>C (NM_001308301.1); short protein forms L127S.
Identifiers: ClinVar variation 2704623 (VCV002704623.3), dbSNP rs2548911354, ClinGen allele CA395796929.

ClinVar aggregate classification (germline): Uncertain significance (1 of 4 stars; one submission).

Submission:

Labcorp Genetics (formerly Invitae), Labcorp
Classification: Uncertain significance. Last evaluated: 2023-12-21. Review status: criteria provided, single submitter. Criteria: Invitae Variant Classification Sherloc (09022015). Collection method: clinical testing. Allele origin: germline.
Comment: This sequence change replaces leucine, which is neutral and non-polar, with serine, which is neutral and polar, at codon 127 of the MYLK3 protein (p.Leu127Ser). This variant is not present in population databases (gnomAD no frequency). This variant has not been reported in the literature in individuals affected with MYLK3-related conditions. An algorithm developed to predict the effect of missense changes on protein structure and function (PolyPhen-2) suggests that this variant is likely to be disruptive. In summary, the available evidence is currently insufficient to determine the role of this variant in disease. Therefore, it has been classified as a Variant of Uncertain Significance.